The following is an entry in ClinVar:

NM_005251.3(FOXC2):c.650C>T (p.Ala217Val)

Gene: FOXC2 (forkhead box C2; plus strand). Cytogenetic location: 16q24.1.
Variant type: single nucleotide variant.
Coding change: c.650C>T on transcript NM_005251.3 (MANE Select); coding-DNA position 650, C replaced by T.
Protein change: p.Ala217Val; replaces alanine 217 with valine.
Molecular consequence: missense variant.
Genome position (GRCh38, 1-based): chr16:86,567,985, C>T. VCF-style: chr16-86567985-C-T. GRCh37 (hg19) VCF-style: chr16-86601591-C-T.
Other names: short protein forms A217V.
Identifiers: ClinVar variation 4537001 (VCV004537001.1).
Genomic context (GRCh38, chr16:86,567,985, plus strand): 5'-CCCCCCACCTAGCGGACGCCCCCAAGGAGGCCGAGAAGAAGGTGGTGATCAAGAGCGAGG[C>T]GGCGTCCCCGGCGCTGCCGGTCATCACCAAGGTGGAGACGCTGAGCCCCGAGAGCGCGCT-3'
Protein context (NP_005242.1, residues 207-227): AEKKVVIKSE[Ala217Val]ASPALPVITK

ClinVar aggregate classification (germline): Uncertain significance (1 of 4 stars; one submission).

gnomAD v4.1: 7 of 1,509,106 alleles (0.00046%); highest among the groups gnomAD compares: South Asian, 0.0013%; no homozygotes.

Submission:

Women's Health and Genetics/Laboratory Corporation of America, LabCorp
Classification: Uncertain significance. Last evaluated: 2025-11-06. Review status: criteria provided, single submitter. Criteria: LabCorp Variant Classification Summary - May 2015. Collection method: clinical testing. Allele origin: germline.
Comment: Variant summary: FOXC2 c.650C>T (p.Ala217Val) results in a non-conservative amino acid change in the encoded protein sequence. Algorithms developed to predict the effect of missense changes on protein structure and function are either unavailable or do not agree on the potential impact of this missense change. The variant allele was found at a frequency of 8e-06 in 124612 control chromosomes. The available data on variant occurrences in the general population are insufficient to allow any conclusion about variant significance. To our knowledge, no occurrence of c.650C>T in individuals affected with FOXC2-related conditions and no experimental evidence demonstrating its impact on protein function have been reported. No submitters have cited clinical-significance assessments for this variant to ClinVar. Based on the evidence outlined above, the variant was classified as uncertain significance.